The following is an entry in ClinVar:

ClinVar aggregate classification (germline): Likely pathogenic (1 of 4 stars; one submission).

Conditions:
Microcephaly-thin corpus callosum-intellectual disability syndrome (NEDFCF). Also called: NEURODEVELOPMENTAL DISORDER WITH FEEDING DIFFICULTIES, THIN CORPUS CALLOSUM, AND FOOT DEFORMITY; Intellectual developmental disorder, autosomal recessive 40. Identifiers: Orphanet 397951, MedGen C3810080, MONDO:0014273, OMIM 615599.

Submission:

Women's Health and Genetics/Laboratory Corporation of America, LabCorp
Classification: Likely pathogenic for Microcephaly-thin corpus callosum-intellectual disability syndrome. Last evaluated: 2026-04-21. Review status: criteria provided, single submitter. Criteria: LabCorp Variant Classification Summary - May 2015. Collection method: clinical testing. Allele origin: germline.
Comment: Variant summary: TAF2 c.793-2A>G is located in a canonical splice-site and is predicted to affect mRNA splicing resulting in a significantly altered protein due to either exon skipping, shortening, or inclusion of intronic material. Variants that disrupt the consensus splice site are a relatively common cause of aberrant splicing and loss of TAF2 function. Several computational tools predict a significant impact on normal splicing: Four predict the variant abolishes a 3' acceptor site. However, these predictions have yet to be confirmed by functional studies. The variant was absent in 250460 control chromosomes. To our knowledge, no occurrence of c.793-2A>G in individuals affected with TAF2-related conditions and no experimental evidence demonstrating its impact on protein function have been reported. No submitters have cited clinical-significance assessments for this variant to ClinVar. Based on the evidence outlined above, the variant was classified as likely pathogenic.

NM_003184.4(TAF2):c.793-2A>G

Gene: TAF2 (TATA-box binding protein associated factor 2; minus strand). Cytogenetic location: 8q24.12.
Variant type: single nucleotide variant.
Coding change: c.793-2A>G on transcript NM_003184.4 (MANE Select); the canonical splice acceptor site of the intron before coding-DNA position 793, A replaced by G.
Molecular consequence: splice acceptor variant.
Genome position (GRCh38, 1-based): chr8:119,797,848, T>C on the plus strand (A>G on the coding strand, the complement: TAF2 is on the minus strand). VCF-style: chr8-119797848-T-C. GRCh37 (hg19) VCF-style: chr8-120810088-T-C.
Other names: c.793-2A>G (NM_001437339.1, NM_001438084.1, NM_001437338.1).
Identifiers: ClinVar variation 4849178 (VCV004849178.1).